The following is an entry in ClinVar:

ClinVar aggregate classification (germline): Uncertain significance. Review status: criteria provided, multiple submitters, no conflicts (2 of 4 stars). 3 submissions from 3 submitters: Uncertain significance (3). Last evaluated 2025-10-02.

Conditions:
Pierson syndrome. Also called: MICROCORIA-CONGENITAL NEPHROTIC SYNDROME. Identifiers: Orphanet 2670, MedGen C1836876, MONDO:0012184, OMIM 609049.
LAMB2-related infantile-onset nephrotic syndrome. Also called: NEPHROTIC SYNDROME, TYPE 5, WITHOUT OCULAR ABNORMALITIES; NEPHROTIC SYNDROME, TYPE 5, WITH OCULAR ABNORMALITIES; Nephrotic Syndrome, type 5. Identifiers: Orphanet 306507, MedGen C3280113, MONDO:0013621, OMIM 614199.

Allele frequency attached by ClinVar (database versions not stated): gnomAD 0.00001; TOPMed 0.00003.
gnomAD v4.1: 38 of 1,613,542 alleles (0.0024%); highest among the groups gnomAD compares: African/African-American, 0.0027%; no homozygotes.

Submissions (3):

Labcorp Genetics (formerly Invitae), Labcorp
Classification: Uncertain significance for LAMB2-related infantile-onset nephrotic syndrome; Pierson syndrome. Last evaluated: 2025-10-02. Review status: criteria provided, single submitter. Criteria: Invitae Variant Classification Sherloc (09022015). Collection method: clinical testing. Allele origin: germline.
Comment: This sequence change replaces arginine, which is basic and polar, with glutamine, which is neutral and polar, at codon 176 of the LAMB2 protein (p.Arg176Gln). This variant is not present in population databases (gnomAD no frequency). This variant has not been reported in the literature in individuals affected with LAMB2-related conditions. ClinVar contains an entry for this variant (Variation ID: 581615). An algorithm developed to predict the effect of missense changes on protein structure and function (PolyPhen-2) suggests that this variant is likely to be disruptive. In summary, the available evidence is currently insufficient to determine the role of this variant in disease. Therefore, it has been classified as a Variant of Uncertain Significance.

Mayo Clinic Laboratories, Mayo Clinic
Classification: Uncertain significance. Last evaluated: 2022-07-11. Review status: criteria provided, single submitter. Criteria: ACMG Guidelines, 2015. Collection method: clinical testing. Allele origin: germline. Observed: 1 variant allele.

Fulgent Genetics
Classification: Uncertain significance for Pierson syndrome; LAMB2-related infantile-onset nephrotic syndrome. Last evaluated: 2022-03-02. Review status: criteria provided, single submitter. Criteria: ACMG Guidelines, 2015. Collection method: clinical testing. Allele origin: unknown.

NM_002292.4(LAMB2):c.527G>A (p.Arg176Gln)

Gene: LAMB2 (laminin subunit beta 2; minus strand). Cytogenetic location: 3p21.31.
Variant type: single nucleotide variant.
Coding change: c.527G>A on transcript NM_002292.4 (MANE Select); coding-DNA position 527, G replaced by A.
Protein change: p.Arg176Gln; replaces arginine 176 with glutamine.
Molecular consequence: missense variant.
Genome position (GRCh38, 1-based): chr3:49,131,656, C>T on the plus strand (G>A on the coding strand, the complement: LAMB2 is on the minus strand). VCF-style: chr3-49131656-C-T. GRCh37 (hg19) VCF-style: chr3-49169089-C-T.
Other names: p.Arg176Gln; short protein forms R176Q.
Identifiers: ClinVar variation 581615 (VCV000581615.10), dbSNP rs924410863, ClinGen allele CA74489272.